The following is an entry in ClinVar:

NM_134261.3(RORA):c.230G>T (p.Gly77Val)

Genes: RORA (RAR related orphan receptor A; minus strand), RORA-AS1 (RORA antisense RNA 1; plus strand). Cytogenetic location: 15q22.2.
Variant type: single nucleotide variant.
Coding change: c.230G>T on transcript NM_134261.3 (MANE Select); coding-DNA position 230, G replaced by T.
Protein change: p.Gly77Val; replaces glycine 77 with valine.
Molecular consequence: missense variant.
Genome position (GRCh38, 1-based): chr15:60,531,818, C>A on the plus strand (G>T on the coding strand, the complement: RORA is on the minus strand). VCF-style: chr15-60531818-C-A. GRCh37 (hg19) VCF-style: chr15-60824017-C-A.
Other names: c.305G>T, p.Gly102Val (NM_002943.4); c.329G>T, p.Gly110Val (NM_134260.3); c.65G>T, p.Gly22Val (NM_134262.3); short protein forms G102V, G110V, G22V, G77V.
Identifiers: ClinVar variation 1304790 (VCV001304790.2), dbSNP rs2141452078, ClinGen allele CA392665380.

ClinVar aggregate classification (germline): Uncertain significance (1 of 4 stars; one submission).

Submission:

GeneDx
Classification: Uncertain significance. Last evaluated: 2019-07-22. Review status: criteria provided, single submitter. Criteria: GeneDx Variant Classification Process June 2021. Collection method: clinical testing. Allele origin: germline. Affected: yes.
Comment: Not observed in large population cohorts (Lek et al., 2016); In silico analysis, which includes protein predictors and evolutionary conservation, supports a deleterious effect; Has not been previously published as pathogenic or benign to our knowledge